The following is an entry in ClinVar:

NM_017654.4(SAMD9):c.847T>C (p.Cys283Arg)

Gene: SAMD9 (sterile alpha motif domain containing 9; minus strand). Cytogenetic location: 7q21.2.
Variant type: single nucleotide variant.
Coding change: c.847T>C on transcript NM_017654.4 (MANE Select); coding-DNA position 847, T replaced by C.
Protein change: p.Cys283Arg; replaces cysteine 283 with arginine.
Molecular consequence: missense variant.
Genome position (GRCh38, 1-based): chr7:93,105,251, A>G on the plus strand (T>C on the coding strand, the complement: SAMD9 is on the minus strand). VCF-style: chr7-93105251-A-G. GRCh37 (hg19) VCF-style: chr7-92734564-A-G.
Other names: c.847T>C, p.Cys283Arg (NM_001193307.2); short protein forms C283R.
Identifiers: ClinVar variation 2206113 (VCV002206113.7), dbSNP rs147441374, ClinGen allele CA4343073.

ClinVar aggregate classification (germline): Uncertain significance. Review status: criteria provided, multiple submitters, no conflicts (2 of 4 stars). 3 submissions from 3 submitters: Uncertain significance (3). Last evaluated 2025-12-30.

Conditions:
Inborn genetic diseases. Identifiers: MedGen C0950123, MeSH D030342.

Allele frequency attached by ClinVar (database versions not stated): TOPMed 0.00006; gnomAD 0.00005; ExAC 0.00006; gnomAD exomes 0.00015; ESP Exome Variant Server 0.00008.
gnomAD v4.1: 226 of 1,613,784 alleles (0.014%); highest among the groups gnomAD compares: Non-Finnish European, 0.019%; no homozygotes.

Submissions (3):

Labcorp Genetics (formerly Invitae), Labcorp
Classification: Uncertain significance. Last evaluated: 2025-12-30. Review status: criteria provided, single submitter. Criteria: Invitae Variant Classification Sherloc (09022015). Collection method: clinical testing. Allele origin: germline.
Comment: This sequence change replaces cysteine, which is neutral and slightly polar, with arginine, which is basic and polar, at codon 283 of the SAMD9 protein (p.Cys283Arg). This variant is present in population databases (rs147441374, gnomAD 0.01%). This variant has not been reported in the literature in individuals affected with SAMD9-related conditions. ClinVar contains an entry for this variant (Variation ID: 2206113). Invitae Evidence Modeling of protein sequence and biophysical properties (such as structural, functional, and spatial information, amino acid conservation, physicochemical variation, residue mobility, and thermodynamic stability) has been performed for this missense variant. However, the output from this modeling did not meet the statistical confidence thresholds required to predict the impact of this variant on SAMD9 protein function. In summary, the available evidence is currently insufficient to determine the role of this variant in disease. Therefore, it has been classified as a Variant of Uncertain Significance.

Ambry Genetics
Classification: Uncertain significance for Inborn genetic diseases. Last evaluated: 2024-10-05. Review status: criteria provided, single submitter. Criteria: Ambry Variant Classification Scheme 2023. Collection method: clinical testing. Allele origin: germline.
Comment: The p.C283R variant (also known as c.847T>C), located in coding exon 1 of the SAMD9 gene, results from a T to C substitution at nucleotide position 847. The cysteine at codon 283 is replaced by arginine, an amino acid with highly dissimilar properties. This amino acid position is conserved. In addition, the in silico prediction for this alteration is inconclusive. Based on the available evidence, the clinical significance of this variant remains unclear.

GeneDx
Classification: Uncertain significance. Last evaluated: 2024-01-29. Review status: criteria provided, single submitter. Criteria: GeneDx Variant Classification Process June 2021. Collection method: clinical testing. Allele origin: germline. Affected: yes.
Comment: In silico analysis supports that this missense variant has a deleterious effect on protein structure/function; Observed in an individual with common variable immunodeficiency (PMID: 32810897); This variant is associated with the following publications: (PMID: 28545555, 32810897)